The following is an entry in ClinVar:

NM_170707.4(LMNA):c.652A>C (p.Thr218Pro)

Gene: LMNA (lamin A/C; plus strand). Cytogenetic location: 1q22.
Variant type: single nucleotide variant.
Coding change: c.652A>C on transcript NM_170707.4 (MANE Select); coding-DNA position 652, A replaced by C.
Protein change: p.Thr218Pro; replaces threonine 218 with proline.
Molecular consequence: missense variant.
Genome position (GRCh38, 1-based): chr1:156,134,817, A>C. VCF-style: chr1-156134817-A-C. GRCh37 (hg19) VCF-style: chr1-156104608-A-C.
Other names: c.316A>C, p.Thr106Pro (NM_001257374.3); c.409A>C, p.Thr137Pro (NM_001282624.2); c.652A>C, p.Thr218Pro (NM_001282625.2, NM_001282626.2, NM_005572.4 and 1 more transcripts); short protein forms T218P, T137P, T106P.
Identifiers: ClinVar variation 284876 (VCV000284876.11), dbSNP rs886042966, ClinGen allele CA10604934.

ClinVar aggregate classification (germline): Uncertain significance. Review status: criteria provided, multiple submitters, no conflicts (2 of 4 stars). 3 submissions from 3 submitters: Uncertain significance (3). Last evaluated 2025-01-06.

Conditions:
Charcot-Marie-Tooth disease type 2. Also called: Charcot-Marie-Tooth type 2. Identifiers: Orphanet 64746, MedGen C0270914, MONDO:0018993.

Submissions (3):

Labcorp Genetics (formerly Invitae), Labcorp
Classification: Uncertain significance for Charcot-Marie-Tooth disease type 2. Last evaluated: 2025-01-06. Review status: criteria provided, single submitter. Criteria: Invitae Variant Classification Sherloc (09022015). Collection method: clinical testing. Allele origin: germline.
Comment: This sequence change replaces threonine, which is neutral and polar, with proline, which is neutral and non-polar, at codon 218 of the LMNA protein (p.Thr218Pro). This variant is not present in population databases (gnomAD no frequency). This variant has not been reported in the literature in individuals affected with LMNA-related conditions. ClinVar contains an entry for this variant (Variation ID: 284876). Invitae Evidence Modeling of protein sequence and biophysical properties (such as structural, functional, and spatial information, amino acid conservation, physicochemical variation, residue mobility, and thermodynamic stability) indicates that this missense variant is expected to disrupt LMNA protein function with a positive predictive value of 95%. In summary, the available evidence is currently insufficient to determine the role of this variant in disease. Therefore, it has been classified as a Variant of Uncertain Significance.

Revvity Omics, Revvity
Classification: Uncertain significance. Last evaluated: 2021-05-24. Review status: criteria provided, single submitter. Criteria: ACMG Guidelines, 2015. Collection method: clinical testing. Allele origin: germline.

Eurofins Ntd Llc (ga)
Classification: Uncertain significance. Last evaluated: 2017-06-02. Review status: criteria provided, single submitter. Criteria: EGL Classification Definitions 2015. Collection method: clinical testing. Allele origin: germline. Observed: 5 variant alleles, 5 heterozygotes.